The following is an entry in ClinVar:

NM_025136.4(OPA3):c.40T>G (p.Leu14Val)

Genes: OPA3 (outer mitochondrial membrane lipid metabolism regulator OPA3; minus strand), OPA3-RTN2 (OPA3-RTN2 readthrough; minus strand), LOC130064709 (ATAC-STARR-seq lymphoblastoid active region 14802; plus strand). Cytogenetic location: 19q13.32.
Variant type: single nucleotide variant.
Coding change: c.40T>G on transcript NM_025136.4 (MANE Select); coding-DNA position 40, T replaced by G.
Protein change: p.Leu14Val; replaces leucine 14 with valine.
Molecular consequence: missense variant.
Genome position (GRCh38, 1-based): chr19:45,584,725, A>C on the plus strand (T>G on the coding strand, the complement: OPA3 is on the minus strand). VCF-style: chr19-45584725-A-C. GRCh37 (hg19) VCF-style: chr19-46087983-A-C.
Other names: c.40T>G, p.Leu14Val (NM_001017989.3); short protein forms L14V.
Identifiers: ClinVar variation 2421928 (VCV002421928.7), dbSNP rs2122529532, ClinGen allele CA406378855.

ClinVar aggregate classification (germline): Uncertain significance (1 of 4 stars; one submission).

Conditions:
3-Methylglutaconic aciduria type 3 (MGCA3). Also called: OPA3, AUTOSOMAL RECESSIVE; OPTIC ATROPHY 3, AUTOSOMAL RECESSIVE; Costeff Syndrome; OPA3-Related 3-Methylglutaconic Aciduria. Identifiers: Orphanet 67047, MedGen C0574084, MONDO:0009787, OMIM 258501.
Optic atrophy 3 (OPA3). Also called: OPTIC ATROPHY 3, AUTOSOMAL DOMINANT; Optic atrophy, cataract, and neurologic disorder; Optic atrophy 3 with cataract. Identifiers: Orphanet 67036, MedGen C1833809, MONDO:0008133, OMIM 165300.

Allele frequency attached by ClinVar (database versions not stated): gnomAD exomes below 0.00001.
gnomAD v4.1: 1 of 1,614,186 alleles (0.000062%); highest among the groups gnomAD compares: African/African-American, 0.0013%; no homozygotes.

Submission:

Labcorp Genetics (formerly Invitae), Labcorp
Classification: Uncertain significance for 3-Methylglutaconic aciduria type 3; Optic atrophy 3. Last evaluated: 2023-09-06. Review status: criteria provided, single submitter. Criteria: Invitae Variant Classification Sherloc (09022015). Collection method: clinical testing. Allele origin: germline.
Comment: In summary, the available evidence is currently insufficient to determine the role of this variant in disease. Therefore, it has been classified as a Variant of Uncertain Significance. An algorithm developed to predict the effect of missense changes on protein structure and function (PolyPhen-2) suggests that this variant is likely to be disruptive. ClinVar contains an entry for this variant (Variation ID: 2421928). This variant has not been reported in the literature in individuals affected with OPA3-related conditions. This variant is not present in population databases (gnomAD no frequency). This sequence change replaces leucine, which is neutral and non-polar, with valine, which is neutral and non-polar, at codon 14 of the OPA3 protein (p.Leu14Val).